The following is an entry in ClinVar:

NM_000059.4(BRCA2):c.125A>G (p.Tyr42Cys)

Gene: BRCA2 (BRCA2 DNA repair associated; plus strand). Cytogenetic location: 13q13.1.
Variant type: single nucleotide variant.
Coding change: c.125A>G on transcript NM_000059.4 (MANE Select); coding-DNA position 125, A replaced by G.
Protein change: p.Tyr42Cys; replaces tyrosine 42 with cysteine.
Molecular consequence: missense variant.
Genome position (GRCh38, 1-based): chr13:32,319,134, A>G. VCF-style: chr13-32319134-A-G. GRCh37 (hg19) VCF-style: chr13-32893271-A-G.
Other names: p.Y42C:TAT>TGT; 353A>G; NP_000050.3:p.Tyr42Cys; short protein forms Y42C.
Identifiers: ClinVar variation 37734 (VCV000037734.130), dbSNP rs4987046, ClinGen allele CA011360.

ClinVar aggregate classification (germline): Benign. Review status: reviewed by expert panel (3 of 4 stars). 43 submissions from 41 submitters: Benign (1). 42 of the submissions do not count toward it. Last evaluated 2015-08-10.

Conditions:
BRCA2-related cancer predisposition. Identifiers: MedGen CN377758, MONDO:0700269.
Hereditary cancer-predisposing syndrome. Also called: Neoplastic Syndromes, Hereditary; Tumor predisposition; Hereditary Cancer Syndrome; Hereditary neoplastic syndrome. Identifiers: Orphanet 140162, MedGen C0027672, MeSH D009386, MONDO:0015356.
Breast and/or ovarian cancer. Identifiers: MedGen CN221562.
Hereditary breast ovarian cancer syndrome. Also called: Hereditary breast and ovarian cancer; Breast and ovarian cancer; Hereditary breast and/or ovarian cancer syndrome; Hereditary breast and ovarian cancer syndrome (HBOC); Hereditary breast and ovarian cancer syndrome; BRCA1- and BRCA2-Associated Hereditary Breast and Ovarian Cancer. Identifiers: Orphanet 145, MedGen C0677776, MeSH D061325, MONDO:0003582. Disease mechanism: loss of function.
Breast-ovarian cancer, familial, susceptibility to, 2 (BROVCA2). Also called: BRCA2 Hereditary Breast and Ovarian Cancer. Identifiers: Orphanet 145, MedGen C2675520, MONDO:0012933, OMIM 612555. Disease mechanism: loss of function.
Fanconi anemia complementation group D1. Also called: BRCA2-Related Fanconi Anemia. Identifiers: Orphanet 319462, MedGen C1838457, MONDO:0011584, OMIM 605724.
Familial cancer of breast. Also called: BREAST CANCER, FAMILIAL; Hereditary breast cancer; hereditary breast carcinoma. Identifiers: Orphanet 227535, MedGen C0346153, MONDO:0016419, OMIM 114480. Disease mechanism: loss of function.

Allele frequency attached by ClinVar (database versions not stated): 1000 Genomes Project 30x 0.00078; 1000 Genomes Project 0.00080; TOPMed 0.00140; gnomAD 0.00154 and 0.00158; gnomAD exomes 0.00163 and 0.00212; ExAC 0.00170; ESP Exome Variant Server 0.00246.
gnomAD v4.1: 3,341 of 1,613,770 alleles (0.21%); highest among the groups gnomAD compares: South Asian, 0.23%; 10 homozygotes.

Submissions 1 to 20 of 43:

Evidence-based Network for the Interpretation of Germline Mutant Alleles (ENIGMA)
Classification: Benign for Breast-ovarian cancer, familial 2. Last evaluated: 2015-08-10. Review status: reviewed by expert panel. Criteria: ENIGMA BRCA1/2 Classification Criteria (2015). Collection method: curation. Allele origin: germline.
Comment: IARC class based on posterior probability from multifactorial likelihood analysis, thresholds for class as per Plon et al. 2008 (PMID: 18951446). Class 1 based on posterior probability = 1.22E-18. Also class 1 based on frequency >1% in an outbred sampleset. Frequency 0.04021 (Asian), 0.1016 (African), 0.04749 (European), derived from 1000 genomes (2012-04-30).

CeGaT Center for Human Genetics Tuebingen
Classification: Benign. Last evaluated: 2026-03-01. Review status: criteria provided, single submitter. Criteria: CeGaT Center For Human Genetics Tuebingen Variant Classification Criteria Version 2. Collection method: clinical testing. Allele origin: germline. Affected: yes. Observed: 26 variant alleles. Not counted in ClinVar's aggregate classification.
Comment: BRCA2: BP1, BP4, BS1, BS2

Labcorp Genetics (formerly Invitae), Labcorp
Classification: Benign for Hereditary breast ovarian cancer syndrome. Last evaluated: 2026-02-04. Review status: criteria provided, single submitter. Criteria: Invitae Variant Classification Sherloc (09022015). Collection method: clinical testing. Allele origin: germline. Not counted in ClinVar's aggregate classification.

ARUP Laboratories, Molecular Genetics and Genomics, ARUP Laboratories
Classification: Benign. Last evaluated: 2025-06-12. Review status: criteria provided, single submitter. Criteria: ARUP Molecular Germline Variant Investigation Process 2024. Collection method: clinical testing. Allele origin: germline. Not counted in ClinVar's aggregate classification.

Center for Genomic Medicine, Rigshospitalet, Copenhagen University Hospital
Classification: Benign. Last evaluated: 2025-03-04. Review status: criteria provided, single submitter. Criteria: ACMG Guidelines, 2015. Collection method: clinical testing. Allele origin: germline. Not counted in ClinVar's aggregate classification.

KCCC/NGS Laboratory, Kuwait Cancer Control Center
Classification: Benign for Familial cancer of breast. Last evaluated: 2025-02-01. Review status: criteria provided, single submitter. Criteria: ACMG Guidelines, 2015. Collection method: clinical testing. Allele origin: germline. Affected: no. Not counted in ClinVar's aggregate classification.

Blueprint Genetics
Classification: Likely benign. Last evaluated: 2024-11-15. Review status: criteria provided, single submitter. Criteria: ACMG Guidelines, 2015. Collection method: clinical testing. Allele origin: germline. Not counted in ClinVar's aggregate classification.

All of Us Research Program, National Institutes of Health
Classification: Benign for BRCA2-related cancer predisposition. Last evaluated: 2024-09-27. Review status: criteria provided, single submitter. Criteria: ACMG Guidelines, 2015. Collection method: clinical testing. Allele origin: germline. Inheritance: Autosomal dominant inheritance. Observed: 515 variant alleles, 513 heterozygotes, 2 homozygotes. Not counted in ClinVar's aggregate classification.
Comment: This study involves interpretation of variants in research participants for the purpose of population health screening. Participant phenotype was not available at the time of variant classification. Additional details can be found in publication PMID: 35346344, PMCID: PMC8962531

KCCC/NGS Laboratory, Kuwait Cancer Control Center
Classification: Benign for Breast-ovarian cancer, familial, susceptibility to, 2. Last evaluated: 2023-07-07. Review status: criteria provided, single submitter. Criteria: ACMG Guidelines, 2015. Collection method: clinical testing. Allele origin: germline. Affected: yes. Not counted in ClinVar's aggregate classification.

CHEO Genetics Diagnostic Laboratory, Children's Hospital of Eastern Ontario
Classification: Likely benign for Breast and/or ovarian cancer. Last evaluated: 2023-04-14. Review status: criteria provided, single submitter. Criteria: ACMG Guidelines, 2015. Collection method: clinical testing. Allele origin: germline. Study: Canadian Open Genetics Repository. Not counted in ClinVar's aggregate classification.

National Health Laboratory Service, Universitas Academic Hospital and University of the Free State
Classification: Benign for Hereditary breast ovarian cancer syndrome. Last evaluated: 2021-11-16. Review status: criteria provided, single submitter. Criteria: ACMG Guidelines, 2015. Collection method: clinical testing. Allele origin: germline. Affected: yes. Observed: 1 variant allele. Not counted in ClinVar's aggregate classification.

Institute for Clinical Genetics, University Hospital TU Dresden, University Hospital TU Dresden
Classification: Benign. Last evaluated: 2021-11-03. Review status: criteria provided, single submitter. Criteria: ACMG Guidelines, 2015. Collection method: clinical testing. Allele origin: germline. Not counted in ClinVar's aggregate classification.

Genetics Program, Instituto Nacional de Cancer
Classification: Likely benign for Hereditary breast ovarian cancer syndrome. Last evaluated: 2021-11-01. Review status: criteria provided, single submitter. Criteria: ACMG Guidelines, 2015. Collection method: research. Allele origin: germline. Affected: yes. Not counted in ClinVar's aggregate classification.

Genetic Services Laboratory, University of Chicago
Classification: Benign. Last evaluated: 2021-05-25. Review status: criteria provided, single submitter. Criteria: ACMG Guidelines, 2015. Collection method: clinical testing. Allele origin: germline. Affected: no. Not counted in ClinVar's aggregate classification.

Sema4
Classification: Benign for Hereditary cancer-predisposing syndrome. Last evaluated: 2020-10-16. Review status: criteria provided, single submitter. Criteria: Sema4 Curation Guidelines. Collection method: curation. Allele origin: germline. Not counted in ClinVar's aggregate classification.

Mendelics
Classification: Likely benign for Breast-ovarian cancer, familial, susceptibility to, 2. Last evaluated: 2019-05-28. Review status: criteria provided, single submitter. Criteria: Mendelics Assertion Criteria 2017. Collection method: clinical testing. Allele origin: unknown. Not counted in ClinVar's aggregate classification.

Illumina Laboratory Services, Illumina
Classification: Likely benign for Breast-ovarian cancer, familial, susceptibility to, 2. Last evaluated: 2018-03-06. Review status: criteria provided, single submitter. Criteria: ICSL Variant Classification Criteria 13 December 2019. Collection method: clinical testing. Allele origin: germline. Not counted in ClinVar's aggregate classification.
Comment: This variant was observed in the ICSL laboratory as part of a predisposition screen in an ostensibly healthy population. It had not been previously curated by ICSL or reported in the Human Gene Mutation Database (HGMD: prior to June 1st, 2018), and was therefore a candidate for classification through an automated scoring system. Utilizing variant allele frequency, disease prevalence and penetrance estimates, and inheritance mode, an automated score was calculated to assess if this variant is too frequent to cause the disease. Based on the score and internal cut-off values, a variant classified as likely benign is not then subjected to further curation. The score for this variant resulted in a classification of likely benign for this disease.

Illumina Laboratory Services, Illumina
Classification: Uncertain significance for Fanconi anemia complementation group D1. Last evaluated: 2018-03-06. Review status: criteria provided, single submitter. Criteria: ICSL Variant Classification Criteria 13 December 2019. Collection method: clinical testing. Allele origin: germline. Not counted in ClinVar's aggregate classification.

Cancer Genetics and Genomics Laboratory, British Columbia Cancer Agency
Classification: Benign. Last evaluated: 2017-04-18. Review status: criteria provided, single submitter. Criteria: ACMG Guidelines, 2015. Collection method: clinical testing. Allele origin: germline. Study: The Canadian Open Genetics Repository (COGR). Not counted in ClinVar's aggregate classification.

Baylor Genetics
Classification: Benign for Familial cancer of breast. Last evaluated: 2017-02-23. Review status: criteria provided, single submitter. Criteria: ACMG Guidelines, 2015. Collection method: clinical testing. Allele origin: germline. Inheritance: Autosomal dominant inheritance. Affected: no. Not counted in ClinVar's aggregate classification.